The following is an entry in ClinVar:

NM_014905.5(GLS):c.-212GCA[7]

Genes: GLS (glutaminase; plus strand), LOC129935268 (ATAC-STARR-seq lymphoblastoid silent region 12186; plus strand). Cytogenetic location: 2q32.2.
Variant type: Microsatellite.
Coding change: c.-212GCA[7] on transcript NM_014905.5 (MANE Select); seven copies in a row of the 3-base unit GCA starting at c.-212; the reference has 16 copies in a row; nine copies, 27 bases deleted.
Molecular consequence: 5 prime UTR variant.
Genome position (GRCh38, 1-based): chr2:190,880,894-190,880,920, GCAGCAGCAGCAGCAGCAGCAGCAGCA deleted; deleting any 27 consecutive bases within chr2:190,880,873-190,880,920 gives the same sequence; the position shown is the placement nearest the transcript's 3' end. VCF-style (leftmost placement, unchanged base first): chr2-190880872-CGCAGCAGCAGCAGCAGCAGCAGCAGCA-C. GRCh37 (hg19) VCF-style: chr2-191745598-CGCAGCAGCAGCAGCAGCAGCAGCAGCA-C.
Other names: c.-212GCA[7] (NM_001256310.2).
Identifiers: ClinVar variation 3358513 (VCV003358513.1).

ClinVar aggregate classification (germline): Likely benign (0 of 4 stars; one submission).

Conditions:
GLS-related disorder. Also called: GLS-related condition.

Submission:

PreventionGenetics, part of Exact Sciences
Classification: Likely benign for GLS-related condition. Last evaluated: 2024-09-19. Review status: no assertion criteria provided. Collection method: clinical testing. Allele origin: germline.
Comment: This variant is classified as likely benign based on ACMG/AMP sequence variant interpretation guidelines (Richards et al. 2015 PMID: 25741868, with internal and published modifications).